The following is an entry in ClinVar:

NM_001101.5(ACTB):c.886A>G (p.Asn296Asp)

Gene: ACTB (actin beta; minus strand). Cytogenetic location: 7p22.1.
Variant type: single nucleotide variant.
Coding change: c.886A>G on transcript NM_001101.5 (MANE Select); coding-DNA position 886, A replaced by G.
Protein change: p.Asn296Asp; replaces asparagine 296 with aspartic acid.
Molecular consequence: missense variant.
Genome position (GRCh38, 1-based): chr7:5,528,102, T>C on the plus strand (A>G on the coding strand, the complement: ACTB is on the minus strand). VCF-style: chr7-5528102-T-C. GRCh37 (hg19) VCF-style: chr7-5567733-T-C.
Other names: short protein forms N296D.
Identifiers: ClinVar variation 2893461 (VCV002893461.3), dbSNP rs2533846637, ClinGen allele CA366700246.
Genomic context (GRCh38, chr7:5,528,102, plus strand): 5'-CCTTCTGCATCCTGTCGGCAATGCCAGGGTACATGGTGGTGCCGCCAGACAGCACTGTGT[T>C]GGCGTACAGGTCTTTGCGGATGTCCACGTCACACTTCATGATGGAGTTGAAGGTAGTTTC-3'
Protein context (NP_001092.1, residues 286-306): DVDIRKDLYA[Asn296Asp]TVLSGGTTMY

ClinVar aggregate classification (germline): Uncertain significance (1 of 4 stars; one submission).

Conditions:
Baraitser-Winter syndrome 1 (BRWS1). Also called: BARAITSER-WINTER SYNDROME 1, ATYPICAL; PACHYGYRIA, MENTAL RETARDATION, EPILEPSY, AND CHARACTERISTIC FACIES; MENTAL RETARDATION WITH EPILEPSY AND CHARACTERISTIC FACIES; Cerebrofrontofacial syndrome. Identifiers: Orphanet 2649, Orphanet 2995, MedGen C1855722, MONDO:0009470, OMIM 243310.

Submission:

Labcorp Genetics (formerly Invitae), Labcorp
Classification: Uncertain significance for Baraitser-Winter syndrome 1. Last evaluated: 2023-04-06. Review status: criteria provided, single submitter. Criteria: Invitae Variant Classification Sherloc (09022015). Collection method: clinical testing. Allele origin: germline.
Comment: This variant is not present in population databases (gnomAD no frequency). This sequence change replaces asparagine, which is neutral and polar, with aspartic acid, which is acidic and polar, at codon 296 of the ACTB protein (p.Asn296Asp). This variant has not been reported in the literature in individuals affected with ACTB-related conditions. Advanced modeling of protein sequence and biophysical properties (such as structural, functional, and spatial information, amino acid conservation, physicochemical variation, residue mobility, and thermodynamic stability) performed at Invitae indicates that this missense variant is not expected to disrupt ACTB protein function. In summary, the available evidence is currently insufficient to determine the role of this variant in disease. Therefore, it has been classified as a Variant of Uncertain Significance.